The following is an entry in ClinVar:

NM_024876.4(COQ8B):c.1465C>T (p.His489Tyr)

Gene: COQ8B (coenzyme Q8B; minus strand). Cytogenetic location: 19q13.2.
Variant type: single nucleotide variant.
Coding change: c.1465C>T on transcript NM_024876.4 (MANE Select); coding-DNA position 1465, C replaced by T.
Protein change: p.His489Tyr; replaces histidine 489 with tyrosine.
Molecular consequence: missense variant.
Genome position (GRCh38, 1-based): chr19:40,692,205, G>A on the plus strand (C>T on the coding strand, the complement: COQ8B is on the minus strand). VCF-style: chr19-40692205-G-A. GRCh37 (hg19) VCF-style: chr19-41198110-G-A.
Other names: c.1342C>T, p.His448Tyr (NM_001142555.3); short protein forms H448Y, H489Y.
Identifiers: ClinVar variation 2681742 (VCV002681742.2), dbSNP rs139063940.

ClinVar aggregate classification (germline): Uncertain significance (1 of 4 stars; one submission).

Conditions:
Nephrotic syndrome, type 9 (NPHS9). Identifiers: Orphanet 656, MedGen C3809965, MONDO:0014257, OMIM 615573.

Allele frequency attached by ClinVar (database versions not stated): gnomAD 0.00001; TOPMed 0.00001; ExAC 0.00003; ESP Exome Variant Server 0.00008.
gnomAD v4.1: 6 of 1,601,924 alleles (0.00037%); highest among the groups gnomAD compares: East Asian, 0.0091%; no homozygotes.

Submission:

Precision Medicine Center, Zhengzhou University
Classification: Uncertain significance for Nephrotic syndrome, type 9. Last evaluated: 2023-12-01. Review status: criteria provided, single submitter. Criteria: ACMG Guidelines, 2015. Collection method: clinical testing. Allele origin: paternal. Affected: yes.
Comment: PM2_p,PM3,PP3